The following is an entry in ClinVar:

ClinVar aggregate classification (germline): Pathogenic (1 of 4 stars; one submission).

Conditions:
Facioscapulohumeral muscular dystrophy 2 (FSHD2). Also called: FSHD2, DIGENIC; MUSCULAR DYSTROPHY, FACIOSCAPULOHUMERAL, TYPE 1B; FACIOSCAPULOHUMERAL MUSCULAR DYSTROPHY 2, DIGENIC. Identifiers: Orphanet 269, MedGen C1834671, MONDO:0008031, OMIM 158901.

Submission:

Labcorp Genetics (formerly Invitae), Labcorp
Classification: Pathogenic for Facioscapulohumeral muscular dystrophy 2. Last evaluated: 2021-08-27. Review status: criteria provided, single submitter. Criteria: Invitae Variant Classification Sherloc (09022015). Collection method: clinical testing. Allele origin: germline.
Comment: This sequence change creates a premature translational stop signal (p.Arg428Valfs*22) in the SMCHD1 gene. It is expected to result in an absent or disrupted protein product. Loss-of-function variants in SMCHD1 are known to be pathogenic (PMID: 23143600). This variant is not present in population databases (ExAC no frequency). This variant has not been reported in the literature in individuals affected with SMCHD1-related conditions. For these reasons, this variant has been classified as Pathogenic.

Literature cited by the submitters: PubMed 23143600.

NM_015295.3(SMCHD1):c.1282del (p.Arg428fs)

Gene: SMCHD1 (structural maintenance of chromosomes flexible hinge domain containing 1; plus strand). Cytogenetic location: 18p11.32.
Variant type: Deletion.
Coding change: c.1282del on transcript NM_015295.3 (MANE Select); coding-DNA position 1282, one base deleted (C; older notation c.1282delC).
Protein change: p.Arg428fs; shifts the reading frame from arginine 428.
Molecular consequence: frameshift variant.
Genome position (GRCh38, 1-based): chr18:2,697,981, C deleted; the last of 2 consecutive C bases (chr18:2,697,980-2,697,981); deleting either gives the same sequence. VCF-style (leftmost placement, unchanged base first): chr18-2697979-TC-T. GRCh37 (hg19) VCF-style: chr18-2697977-TC-T.
Other names: short protein forms R428fs.
Identifiers: ClinVar variation 1384984 (VCV001384984.6), dbSNP rs2143155004, ClinGen allele CA2573155048.